The following is an entry in ClinVar:

NM_003235.5(TG):c.3491G>T (p.Gly1164Val)

Gene: TG (thyroglobulin; plus strand). Cytogenetic location: 8q24.22.
Variant type: single nucleotide variant.
Coding change: c.3491G>T on transcript NM_003235.5 (MANE Select); coding-DNA position 3491, G replaced by T.
Protein change: p.Gly1164Val; replaces glycine 1164 with valine.
Molecular consequence: missense variant.
Genome position (GRCh38, 1-based): chr8:132,901,410, G>T. VCF-style: chr8-132901410-G-T. GRCh37 (hg19) VCF-style: chr8-133913655-G-T.
Other names: short protein forms G1164V.
Identifiers: ClinVar variation 1319020 (VCV001319020.2), dbSNP rs760317901, ClinGen allele CA186294921.
Genomic context (GRCh38, chr8:132,901,410, plus strand): 5'-CAGGCCCAAGCCTCTGCAATGTGCTCAAGAGTGGAGTCCTCTCCAGGAGAGTCAGCCCAG[G>T]CTATGTCCCAGCCTGCAGGGCAGAGGATGGGGGCTTTTCCCCAGTGCAATGTGACCAGGC-3'
Protein context (NP_003226.4, residues 1154-1174): SGVLSRRVSP[Gly1164Val]YVPACRAEDG

ClinVar aggregate classification (germline): Uncertain significance (1 of 4 stars; one submission).

Allele frequency attached by ClinVar (database versions not stated): TOPMed 0.00001.
gnomAD v4.1: 2 of 1,614,116 alleles (0.00012%); highest among the groups gnomAD compares: Admixed American, 0.0033%; no homozygotes.

Submission:

GeneDx
Classification: Uncertain significance. Last evaluated: 2019-06-10. Review status: criteria provided, single submitter. Criteria: GeneDx Variant Classification Process June 2021. Collection method: clinical testing. Allele origin: germline. Affected: yes.
Comment: Not observed in large population cohorts (Lek et al., 2016); In silico analysis, which includes protein predictors and evolutionary conservation, supports a deleterious effect; Has not been previously published as pathogenic or benign to our knowledge